The following is an entry in ClinVar:

ClinVar aggregate classification (germline): Likely benign. Review status: criteria provided, multiple submitters, no conflicts (2 of 4 stars). 3 submissions from 3 submitters: Likely benign (3). Last evaluated 2025-03-06.

Conditions:
USH2A-related disorder. Also called: USH2A-related disorders; USH2A-related condition. Identifiers: MedGen CN239332.

Allele frequency attached by ClinVar (database versions not stated): gnomAD 0.00001; TOPMed 0.00003; ExAC 0.00009; gnomAD exomes 0.00010.

Submissions (3):

Labcorp Genetics (formerly Invitae), Labcorp
Classification: Likely benign. Last evaluated: 2025-03-06. Review status: criteria provided, single submitter. Criteria: Invitae Variant Classification Sherloc (09022015). Collection method: clinical testing. Allele origin: germline.

PreventionGenetics, part of Exact Sciences
Classification: Likely benign for USH2A-related condition. Last evaluated: 2024-12-13. Review status: criteria provided, single submitter. Criteria: ACMG Guidelines, 2015. Collection method: clinical testing. Allele origin: germline.
Comment: This variant is classified as likely benign based on ACMG/AMP sequence variant interpretation guidelines (Richards et al. 2015 PMID: 25741868, with internal and published modifications).

Blueprint Genetics
Classification: Likely benign. Last evaluated: 2021-10-15. Review status: criteria provided, single submitter. Criteria: ACMG Guidelines, 2015. Collection method: clinical testing. Allele origin: germline.

NM_206933.4(USH2A):c.15018G>A (p.Thr5006=)

Gene: USH2A (usherin; minus strand). Cytogenetic location: 1q41.
Variant type: single nucleotide variant.
Coding change: c.15018G>A on transcript NM_206933.4 (MANE Select); coding-DNA position 15018, G replaced by A.
Protein change: p.Thr5006=; no amino-acid change (threonine 5006 retained).
Molecular consequence: synonymous variant.
Genome position (GRCh38, 1-based): chr1:215,639,189, C>T on the plus strand (G>A on the coding strand, the complement: USH2A is on the minus strand). VCF-style: chr1-215639189-C-T. GRCh37 (hg19) VCF-style: chr1-215812531-C-T.
Other names: c.15018G>A (NM_206933.2).
Identifiers: ClinVar variation 1090432 (VCV001090432.11), dbSNP rs752423613, ClinGen allele CA1392831.
Genomic context (GRCh38, chr1:215,639,189, plus strand): 5'-CGCCAAGTATAATATGAGTTGTTTACCAAGTCCAGTAGAGGTATCATATTGGATCAACGG[C>T]GTCTTAACACTTCCTTCGTCAGTCGTGCAGATGACCTGGAAAAAGAAGGCTAGACAAAAG-3'
Protein context (NP_996816.3, residues 4996-5016): ICTTDEGSVK[Thr5006=]PLIQYDTSTG